The following is an entry in ClinVar:

NM_001365536.1(SCN9A):c.1906G>A (p.Ala636Thr)

Genes: SCN9A (sodium voltage-gated channel alpha subunit 9; minus strand), SCN1A-AS1 (SCN1A and SCN9A antisense RNA 1; plus strand). Cytogenetic location: 2q24.3.
Variant type: single nucleotide variant.
Coding change: c.1906G>A on transcript NM_001365536.1 (MANE Select); coding-DNA position 1906, G replaced by A.
Protein change: p.Ala636Thr; replaces alanine 636 with threonine.
Molecular consequence: missense variant.
Genome position (GRCh38, 1-based): chr2:166,284,521, C>T on the plus strand (G>A on the coding strand, the complement: SCN9A is on the minus strand). VCF-style: chr2-166284521-C-T. GRCh37 (hg19) VCF-style: chr2-167141031-C-T.
Other names: c.1906G>A, p.Ala636Thr (NM_002977.4); short protein forms A636T.
Identifiers: ClinVar variation 2928577 (VCV002928577.3), dbSNP rs1697641237, ClinGen allele CA349082763.

ClinVar aggregate classification (germline): Uncertain significance (1 of 4 stars; one submission).

Conditions:
Neuropathy, hereditary sensory and autonomic, type 2A (HSAN2A). Also called: ACROOSTEOLYSIS, GIACCAI TYPE; ACROOSTEOLYSIS, NEUROGENIC; WNK1-Related HSAN2 (HSAN2A); MORVAN DISEASE; NEUROPATHY, CONGENITAL SENSORY; NEUROPATHY, HEREDITARY SENSORY RADICULAR, AUTOSOMAL RECESSIVE. Identifiers: Orphanet 970, MedGen C2752089, MONDO:0024309, OMIM 201300.
Generalized epilepsy with febrile seizures plus, type 7 (GEFSP7). Also called: GEFS+, TYPE 7. Identifiers: Orphanet 36387, MedGen C2751778, MONDO:0013470, OMIM 613863.

Allele frequency attached by ClinVar (database versions not stated): gnomAD exomes below 0.00001; TOPMed below 0.00001.
gnomAD v4.1: 2 of 1,614,114 alleles (0.00012%); highest among the groups gnomAD compares: Non-Finnish European, 0.000085%; no homozygotes.

Submission:

Labcorp Genetics (formerly Invitae), Labcorp
Classification: Uncertain significance for Neuropathy, hereditary sensory and autonomic, type 2A; Generalized epilepsy with febrile seizures plus, type 7. Last evaluated: 2023-08-11. Review status: criteria provided, single submitter. Criteria: Invitae Variant Classification Sherloc (09022015). Collection method: clinical testing. Allele origin: germline.
Comment: This variant is not present in population databases (gnomAD no frequency). This variant has not been reported in the literature in individuals affected with SCN9A-related conditions. Advanced modeling of protein sequence and biophysical properties (such as structural, functional, and spatial information, amino acid conservation, physicochemical variation, residue mobility, and thermodynamic stability) has been performed at Invitae for this missense variant, however the output from this modeling did not meet the statistical confidence thresholds required to predict the impact of this variant on SCN9A protein function. In summary, the available evidence is currently insufficient to determine the role of this variant in disease. Therefore, it has been classified as a Variant of Uncertain Significance. This sequence change replaces alanine, which is neutral and non-polar, with threonine, which is neutral and polar, at codon 636 of the SCN9A protein (p.Ala636Thr).